The following is an entry in ClinVar:

NM_006005.3(WFS1):c.2084G>A (p.Gly695Asp)

Gene: WFS1 (wolframin ER transmembrane glycoprotein; plus strand). Cytogenetic location: 4p16.1.
Variant type: single nucleotide variant.
Coding change: c.2084G>A on transcript NM_006005.3 (MANE Select); coding-DNA position 2084, G replaced by A.
Protein change: p.Gly695Asp; replaces glycine 695 with aspartic acid.
Molecular consequence: missense variant.
Genome position (GRCh38, 1-based): chr4:6,301,879, G>A. VCF-style: chr4-6301879-G-A. GRCh37 (hg19) VCF-style: chr4-6303606-G-A.
Other names: c.2084G>A, p.Gly695Asp (NM_001145853.1); short protein forms G695D.
Identifiers: ClinVar variation 2798320 (VCV002798320.4), dbSNP rs28937891, ClinGen allele CA2839593.

ClinVar aggregate classification (germline): Likely pathogenic. Review status: criteria provided, multiple submitters, no conflicts (2 of 4 stars). 2 submissions from 2 submitters: Likely pathogenic (2). Last evaluated 2024-01-24.

Conditions:
WFS1-related disorder. Identifiers: MedGen CN379391, MONDO:0700293.

Allele frequency attached by ClinVar (database versions not stated): ExAC 0.00005.
gnomAD v4.1: 34 of 1,612,704 alleles (0.0021%); highest among the groups gnomAD compares: South Asian, 0.0011%; no homozygotes.

Submissions (2):

Blueprint Genetics
Classification: Likely pathogenic for WFS1-related disorders. Last evaluated: 2024-01-24. Review status: criteria provided, single submitter. Criteria: ACMG Guidelines, 2015. Collection method: clinical testing. Allele origin: germline. Affected: yes. Observed: 5 variant alleles.

Labcorp Genetics (formerly Invitae), Labcorp
Classification: Likely pathogenic. Last evaluated: 2023-09-10. Review status: criteria provided, single submitter. Criteria: Invitae Variant Classification Sherloc (09022015). Collection method: clinical testing. Allele origin: germline.
Comment: This sequence change replaces glycine, which is neutral and non-polar, with aspartic acid, which is acidic and polar, at codon 695 of the WFS1 protein (p.Gly695Asp). This variant is present in population databases (rs28937891, gnomAD 0.04%). This missense change has been observed in individual(s) with deafness (PMID: 28974383). Advanced modeling of protein sequence and biophysical properties (such as structural, functional, and spatial information, amino acid conservation, physicochemical variation, residue mobility, and thermodynamic stability) performed at Invitae indicates that this missense variant is expected to disrupt WFS1 protein function. This variant disrupts the p.Gly695 amino acid residue in WFS1. Other variant(s) that disrupt this residue have been determined to be pathogenic (PMID: 9771706, 16195229). This suggests that this residue is clinically significant, and that variants that disrupt this residue are likely to be disease-causing. In summary, the currently available evidence indicates that the variant is pathogenic, but additional data are needed to prove that conclusively. Therefore, this variant has been classified as Likely Pathogenic.

Literature cited by the submitters: PubMed 28974383 (cited by Labcorp Genetics (formerly Invitae), Labcorp); PubMed 9771706 (cited by Labcorp Genetics (formerly Invitae), Labcorp); PubMed 16195229 (cited by Labcorp Genetics (formerly Invitae), Labcorp).